The following is an entry in ClinVar:

ClinVar aggregate classification (germline): Likely benign. Review status: criteria provided, multiple submitters, no conflicts (2 of 4 stars). 3 submissions from 3 submitters: Likely benign (2). 1 of the submissions does not count toward it. Last evaluated 2025-06-27.

Conditions:
CNGB1-related disorder. Also called: CNGB1-related condition.

Allele frequency attached by ClinVar (database versions not stated): gnomAD 0.00001; TOPMed 0.00001; 1000 Genomes Project 0.00020; 1000 Genomes Project 30x 0.00031.
gnomAD v4.1: 44 of 1,614,092 alleles (0.0027%); highest among the groups gnomAD compares: South Asian, 0.029%; no homozygotes.

Submissions (3):

Labcorp Genetics (formerly Invitae), Labcorp
Classification: Likely benign. Last evaluated: 2025-06-27. Review status: criteria provided, single submitter. Criteria: Invitae Variant Classification Sherloc (09022015). Collection method: clinical testing. Allele origin: germline.

Blueprint Genetics
Classification: Likely benign. Last evaluated: 2023-12-19. Review status: criteria provided, single submitter. Criteria: ACMG Guidelines, 2015. Collection method: clinical testing. Allele origin: germline.

PreventionGenetics, part of Exact Sciences
Classification: Likely benign for CNGB1-related condition. Last evaluated: 2019-05-22. Review status: no assertion criteria provided. Collection method: clinical testing. Allele origin: germline. Not counted in ClinVar's aggregate classification.
Comment: This variant is classified as likely benign based on ACMG/AMP sequence variant interpretation guidelines (Richards et al. 2015 PMID: 25741868, with internal and published modifications).

NM_001297.5(CNGB1):c.2094C>T (p.Cys698=)

Gene: CNGB1 (cyclic nucleotide gated channel subunit beta 1; minus strand). Cytogenetic location: 16q21.
Variant type: single nucleotide variant.
Coding change: c.2094C>T on transcript NM_001297.5 (MANE Select); coding-DNA position 2094, C replaced by T.
Protein change: p.Cys698=; no amino-acid change (cysteine 698 retained).
Molecular consequence: synonymous variant.
Genome position (GRCh38, 1-based): chr16:57,917,340, G>A on the plus strand (C>T on the coding strand, the complement: CNGB1 is on the minus strand). VCF-style: chr16-57917340-G-A. GRCh37 (hg19) VCF-style: chr16-57951244-G-A.
Other names: c.2094C>T (NM_001297.4); c.2076C>T, p.Cys692= (NM_001286130.2).
Identifiers: ClinVar variation 1667761 (VCV001667761.11), dbSNP rs563059002, ClinGen allele CA8083180.
Genomic context (GRCh38, chr16:57,917,340, plus strand): 5'-GCCTCTGACAAACTGCAGGCGTGTCTGGAACACGGTGATGTCCAGGAAGTAGATGAGGTC[G>A]CATAGGTAATCCATCAGCAGCCAGTGGTGGATGTTGTCCGGGGTCTGGTAGGGGAAGGCC-3'
Protein context (NP_001288.3, residues 688-708): IHHWLLMDYL[Cys698=]DLIYFLDITV